The following is an entry in ClinVar:

ClinVar aggregate classification (germline): Uncertain significance (1 of 4 stars; one submission).

Submission:

Dasa
Classification: Uncertain significance. Last evaluated: 2026-04-11. Review status: criteria provided, single submitter. Criteria: DASA Assertion Criteria. Collection method: clinical testing. Allele origin: germline.
Comment: NM_021224.6(ZNF462):c.619G>T (p.Val207Phe) is a missense variant that results in the substitution of valine with phenylalanine. This variant is rare in population databases. Computational prediction algorithms are consistent with a benign effect. The currently available literature and clinical evidence are not sufficient to establish a definitive association between this variant and the reported condition. Therefore, this variant is classified as a variant of uncertain significance.

NM_021224.6(ZNF462):c.619G>T (p.Val207Phe)

Gene: ZNF462 (zinc finger protein 462; plus strand). Cytogenetic location: 9q31.2.
Variant type: single nucleotide variant.
Coding change: c.619G>T on transcript NM_021224.6 (MANE Select); coding-DNA position 619, G replaced by T.
Protein change: p.Val207Phe; replaces valine 207 with phenylalanine.
Molecular consequence: missense variant.
Genome position (GRCh38, 1-based): chr9:106,924,531, G>T. VCF-style: chr9-106924531-G-T. GRCh37 (hg19) VCF-style: chr9-109686812-G-T.
Other names: c.619G>T, p.Val207Phe (NM_001347997.2); short protein forms V207F.
Identifiers: ClinVar variation 4881558 (VCV004881558.2).